The following is an entry in ClinVar:

NM_000051.4(ATM):c.5206T>G (p.Cys1736Gly)

Gene: ATM (ATM serine/threonine kinase; plus strand). Cytogenetic location: 11q22.3.
Variant type: single nucleotide variant.
Coding change: c.5206T>G on transcript NM_000051.4 (MANE Select); coding-DNA position 5206, T replaced by G.
Protein change: p.Cys1736Gly; replaces cysteine 1736 with glycine.
Molecular consequence: missense variant.
Genome position (GRCh38, 1-based): chr11:108,301,676, T>G. VCF-style: chr11-108301676-T-G. GRCh37 (hg19) VCF-style: chr11-108172403-T-G.
Other names: c.5206T>G, p.Cys1736Gly (NM_001351834.2); short protein forms C1736G.
Identifiers: ClinVar variation 1746072 (VCV001746072.3), dbSNP rs2135912492, ClinGen allele CA382542223.
Genomic context (GRCh38, chr11:108,301,676, plus strand): 5'-TACTTGATAGGCATTTGAATTGTTTTTTTCAGTGTCAAAGTTCGATCAGCAGCTGTTACC[T>G]GTTTGAAAAACATTTTAGCCACAAAGACTGGACATAGTTTCTGGGAGATTTATAAGATGA-3'
Protein context (NP_000042.3, residues 1726-1746): CVKVRSAAVT[Cys1736Gly]LKNILATKTG

ClinVar aggregate classification (germline): Uncertain significance (1 of 4 stars; one submission).

Conditions:
Hereditary cancer-predisposing syndrome. Also called: Hereditary Cancer Syndrome; Neoplastic Syndromes, Hereditary; Tumor predisposition; Hereditary neoplastic syndrome. Identifiers: Orphanet 140162, MedGen C0027672, MeSH D009386, MONDO:0015356.

Submission:

Ambry Genetics
Classification: Uncertain significance for Hereditary cancer-predisposing syndrome. Last evaluated: 2025-04-21. Review status: criteria provided, single submitter. Criteria: Ambry Variant Classification Scheme 2023. Collection method: clinical testing. Allele origin: germline.
Comment: The p.C1736G variant (also known as c.5206T>G), located in coding exon 34 of the ATM gene, results from a T to G substitution at nucleotide position 5206. The cysteine at codon 1736 is replaced by glycine, an amino acid with highly dissimilar properties. This amino acid position is highly conserved in available vertebrate species. In addition, this alteration is predicted to be deleterious by in silico analysis. Based on the available evidence, the clinical significance of this variant remains unclear.